The following is an entry in ClinVar:

NM_014252.4(SLC25A15):c.818T>A (p.Met273Lys)

Gene: SLC25A15 (solute carrier family 25 member 15; plus strand). Cytogenetic location: 13q14.11.
Variant type: single nucleotide variant.
Coding change: c.818T>A on transcript NM_014252.4 (MANE Select); coding-DNA position 818, T replaced by A.
Protein change: p.Met273Lys; replaces methionine 273 with lysine.
Molecular consequence: missense variant.
Genome position (GRCh38, 1-based): chr13:40,809,579, T>A. VCF-style: chr13-40809579-T-A. GRCh37 (hg19) VCF-style: chr13-41383715-T-A.
Other names: short protein forms M273K.
Identifiers: ClinVar variation 38402 (VCV000038402.3), dbSNP rs202247808, ClinGen allele CA343045.

ClinVar aggregate classification (germline): Uncertain significance. Review status: criteria provided, single submitter (1 of 4 stars). 2 submissions from 2 submitters: Uncertain significance (1). 1 of the submissions does not count toward it. Last evaluated 2021-08-02.

Conditions:
Hyperornithinemia-hyperammonemia-homocitrullinuria syndrome (HHHS). Also called: Ornithine translocase deficiency; HHH SYNDROME. Identifiers: Orphanet 415, MedGen C0268540, MONDO:0009393, OMIM 238970.

Allele frequency attached by ClinVar (database versions not stated): gnomAD exomes below 0.00001.
gnomAD v4.1: 2 of 1,612,130 alleles (0.00012%); highest among the groups gnomAD compares: Non-Finnish European, 0.00017%; no homozygotes.

Submissions (2):

Women's Health and Genetics/Laboratory Corporation of America, LabCorp
Classification: Uncertain significance. Last evaluated: 2021-08-02. Review status: criteria provided, single submitter. Criteria: LabCorp Variant Classification Summary - May 2015. Collection method: clinical testing. Allele origin: germline.
Comment: Variant summary: SLC25A15 c.818T>A (p.Met273Lys) results in a non-conservative amino acid change located in the 3rd mitochondrial substrate/solute carrier repeat (IPR018108) of the encoded protein sequence. Four of five in-silico tools predict a damaging effect of the variant on protein function. The variant was absent in 251132 control chromosomes (gnomAD). The variant has been reported in the literature in a compound heterozygous individual affected with Hyperornithinemia-Hyperammonemia-Homocitrullinuria Syndrome (Fecarotta_2006). The same authors also reported experimental evidence evaluating an impact on protein function in a later study (Tessa_2009), and demonstrated that the variant protein exhibits low transport activity despite normal insertion in the liposomal membrane. The most pronounced variant effect resulted in 15%-<20% of normal activity. No clinical diagnostic laboratories have submitted clinical-significance assessments for this variant to ClinVar after 2014. Based on the evidence outlined above, the variant was classified as VUS-possibly pathogenic.

Natera, Inc.
Classification: Uncertain significance for Hyperornithinemia-hyperammonemia-homocitrullinuria syndrome. Last evaluated: 2020-05-15. Review status: no assertion criteria provided. Collection method: clinical testing. Allele origin: germline. Not counted in ClinVar's aggregate classification.

Literature cited by the submitters: PubMed 32340404 (cited by Women's Health and Genetics/Laboratory Corporation of America, LabCorp); PubMed 18978333 (cited by Women's Health and Genetics/Laboratory Corporation of America, LabCorp); PubMed 16601889 (cited by Women's Health and Genetics/Laboratory Corporation of America, LabCorp); PubMed 25874378 (cited by Women's Health and Genetics/Laboratory Corporation of America, LabCorp); PubMed 18376250 (cited by Women's Health and Genetics/Laboratory Corporation of America, LabCorp); PubMed 18406340 (cited by Women's Health and Genetics/Laboratory Corporation of America, LabCorp); PubMed 19242930 (cited by Women's Health and Genetics/Laboratory Corporation of America, LabCorp); PubMed 22292090 (cited by Women's Health and Genetics/Laboratory Corporation of America, LabCorp).